The following is an entry in ClinVar:

NM_138694.4(PKHD1):c.5426G>A (p.Cys1809Tyr)

Gene: PKHD1 (PKHD1 ciliary IPT domain containing fibrocystin/polyductin; minus strand). Cytogenetic location: 6p12.2.
Variant type: single nucleotide variant.
Coding change: c.5426G>A on transcript NM_138694.4 (MANE Select); coding-DNA position 5426, G replaced by A.
Protein change: p.Cys1809Tyr; replaces cysteine 1809 with tyrosine.
Molecular consequence: missense variant.
Genome position (GRCh38, 1-based): chr6:52,017,584, C>T on the plus strand (G>A on the coding strand, the complement: PKHD1 is on the minus strand). VCF-style: chr6-52017584-C-T. GRCh37 (hg19) VCF-style: chr6-51882382-C-T.
Other names: c.5426G>A, p.Cys1809Tyr (NM_170724.3); short protein forms C1809Y.
Identifiers: ClinVar variation 1030197 (VCV001030197.6), dbSNP rs1800745257, ClinGen allele CA364426313.

ClinVar aggregate classification (germline): Conflicting classifications of pathogenicity. Review status: criteria provided, conflicting classifications (1 of 4 stars). 4 submissions from 4 submitters: Pathogenic (1); Uncertain significance (3). Last evaluated 2026-02-05.

Conditions:
Autosomal recessive polycystic kidney disease (ARPKD). Also called: AR polycystic kidney disease. Identifiers: Orphanet 731, Orphanet 8378, MedGen C0085548, MeSH D017044, MONDO:0009889.
Polycystic kidney disease 4 (PKD4). Also called: POLYCYSTIC KIDNEY DISEASE 4 WITH OR WITHOUT POLYCYSTIC LIVER DISEASE; POLYCYSTIC KIDNEY AND HEPATIC DISEASE 1; POLYCYSTIC KIDNEY DISEASE, INFANTILE, TYPE I; Autosomal Recessive Polycystic Kidney Disease – PKHD1; PKD3. Identifiers: MedGen C4540575, MONDO:0033004, OMIM 263200.

Submissions (4):

Women's Health and Genetics/Laboratory Corporation of America, LabCorp
Classification: Pathogenic for Autosomal recessive polycystic kidney disease. Last evaluated: 2026-02-05. Review status: criteria provided, single submitter. Criteria: LabCorp Variant Classification Summary - May 2015. Collection method: clinical testing. Allele origin: germline.
Comment: Variant summary: PKHD1 c.5426G>A (p.Cys1809Tyr) results in a non-conservative amino acid change in the encoded protein sequence. Algorithms developed to predict the effect of missense changes on protein structure and function are either unavailable or do not agree on the potential impact of this missense change. The variant was absent in 250806 control chromosomes. c.5426G>A has been observed in multiple individuals affected with Polycystic Kidney And Hepatic Disease (e.g. Shaheen_2016, Al-Hamed_2022, Doreille_2023). These data indicate that the variant is very likely to be associated with disease. To our knowledge, no experimental evidence demonstrating an impact on protein function has been reported. The following publications have been ascertained in the context of this evaluation (PMID: 36177613, 36938085, 27894351). ClinVar contains an entry for this variant (Variation ID: 1030197). Based on the evidence outlined above, the variant was classified as pathogenic.

3billion
Classification: Uncertain significance for Polycystic kidney disease 4. Last evaluated: 2025-09-01. Review status: criteria provided, single submitter. Criteria: ACMG Guidelines, 2015. Collection method: clinical testing. Allele origin: germline. Affected: yes.
Comment: The variant is not observed in the gnomAD v4.1.0 dataset. Predicted Consequence/Location: Missense variant. The majority of the known disease-causing variants of this gene are variants expected to result in premature termination of the protein. Damaging effect on gene or gene product predicted by in silico programs is uncertain [REVEL: 0.44 (damaging >=0.6, benign <0.4), 3Cnet: 0.53 (damaging >0.75, benign <0.1)]. The same nucleotide change resulting in the same amino acid change has been previously reported to be associated with PKHD1-related disorder (PMID: 27894351). However, the evidence of pathogenicity is insufficient at this time. Therefore, this variant is classified as VUS according to the recommendation of ACMG/AMP guideline.

Genomic Medicine Center of Excellence, King Faisal Specialist Hospital and Research Centre
Classification: Uncertain significance for Autosomal recessive polycystic kidney disease. Last evaluated: 2021-01-04. Review status: criteria provided, single submitter. Criteria: ACMG Guidelines, 2015. Collection method: clinical testing. Allele origin: germline. Affected: yes.

Baylor Genetics
Classification: Uncertain significance for Polycystic kidney disease 4. Last evaluated: 2020-06-03. Review status: criteria provided, single submitter. Criteria: ACMG Guidelines, 2015. Collection method: clinical testing. Allele origin: unknown. Affected: yes.
Comment: This variant was determined to be of uncertain significance according to ACMG Guidelines, 2015 [PMID:25741868].

Literature cited by the submitters: PubMed 27894351 (cited by Women's Health and Genetics/Laboratory Corporation of America, LabCorp and 3billion); PubMed 36938085 (cited by Women's Health and Genetics/Laboratory Corporation of America, LabCorp); PubMed 36177613 (cited by Women's Health and Genetics/Laboratory Corporation of America, LabCorp).